The following is an entry in ClinVar:

ClinVar aggregate classification (germline): Conflicting classifications of pathogenicity. Review status: criteria provided, conflicting classifications (1 of 4 stars). 7 submissions from 7 submitters: Likely pathogenic (5); Uncertain significance (1). 1 of the submissions does not count toward it. Last evaluated 2025-10-08.

Conditions:
Glycine encephalopathy 1 (GCE1). Identifiers: MedGen CN376801, MONDO:0958179, OMIM 605899.
Inborn genetic diseases. Identifiers: MedGen C0950123, MeSH D030342.
Glycine encephalopathy. Also called: Nonketotic hyperglycinemia; Non-ketotic hyperglycinemia. Identifiers: Orphanet 407, MedGen C0751748, MONDO:0011612, HP:0008288.

Allele frequency attached by ClinVar (database versions not stated): gnomAD 0.00001; TOPMed 0.00003.
gnomAD v4.1: 1 of 1,611,920 alleles (0.000062%); highest among the groups gnomAD compares: Admixed American, 0.0017%; no homozygotes.

Submissions (7):

Myriad Genetics, Inc.
Classification: Likely pathogenic for Glycine encephalopathy 1. Last evaluated: 2025-10-08. Review status: criteria provided, single submitter. Criteria: Myriad Autosomal Dominant, Autosomal Recessive and X-Linked Classification Criteria (2023). Collection method: clinical testing. Allele origin: unknown.
Comment: NM_000170.2(GLDC):c.2196T>A(N732K) is a missense variant classified as likely pathogenic in the context of glycine encephalopathy, GLDC-related. N732K has been observed in cases with relevant disease (PMID: 27362913). Relevant functional assessments of this variant are not available in the literature. Internal structural analysis of the variant is supportive of pathogenicity. N732K has not been observed in referenced population frequency databases. In summary, NM_000170.2(GLDC):c.2196T>A(N732K) is a missense variant that has internal structural support for pathogenicity and has been observed more frequently in cases with the relevant disease than in healthy populations. Please note: this variant was assessed in the context of healthy population screening.

Natera, Inc.
Classification: Likely pathogenic for Non-ketotic hyperglycinemia. Last evaluated: 2025-04-09. Review status: criteria provided, single submitter. Criteria: Natera Variant Classification Schema (03/2026). Collection method: clinical testing. Allele origin: germline.
Comment: The c.2196T>A variant in GLDC is a missense variant predicted to cause substitution of asparagine to lysine at amino acid 732. This variant is rare in the general population with a frequency below the threshold expected for the associated phenotype(s). This variant has been observed in one or more individuals affected with the associated recessive disease, as either homozygous or compound heterozygous with a second variant (PMID: 27362913). Computational prediction algorithms indicate this variant is likely to affect gene or protein function. Given the available evidence, this variant is classified as Likely Pathogenic.

Ambry Genetics
Classification: Uncertain significance for Inborn genetic diseases. Last evaluated: 2025-02-14. Review status: criteria provided, single submitter. Criteria: Ambry Variant Classification Scheme 2023. Collection method: clinical testing. Allele origin: germline.

Labcorp Genetics (formerly Invitae), Labcorp
Classification: Likely pathogenic for Glycine encephalopathy. Last evaluated: 2024-02-11. Review status: criteria provided, single submitter. Criteria: Invitae Variant Classification Sherloc (09022015). Collection method: clinical testing. Allele origin: germline.
Comment: This sequence change replaces asparagine, which is neutral and polar, with lysine, which is basic and polar, at codon 732 of the GLDC protein (p.Asn732Lys). This variant is not present in population databases (gnomAD no frequency). This missense change has been observed in individual(s) with nonketotic hyperglycinemia (PMID: 16601880). In at least one individual the data is consistent with being in trans (on the opposite chromosome) from a pathogenic variant. ClinVar contains an entry for this variant (Variation ID: 56063). Advanced modeling of protein sequence and biophysical properties (such as structural, functional, and spatial information, amino acid conservation, physicochemical variation, residue mobility, and thermodynamic stability) performed at Invitae indicates that this missense variant is expected to disrupt GLDC protein function with a positive predictive value of 80%. In summary, the currently available evidence indicates that the variant is pathogenic, but additional data are needed to prove that conclusively. Therefore, this variant has been classified as Likely Pathogenic.

Fulgent Genetics
Classification: Likely pathogenic for Glycine encephalopathy 1. Last evaluated: 2024-01-09. Review status: criteria provided, single submitter. Criteria: ACMG Guidelines, 2015. Collection method: clinical testing. Allele origin: germline.

Laboratorio de Genetica e Diagnostico Molecular, Hospital Israelita Albert Einstein
Classification: Likely pathogenic for Glycine encephalopathy 1. Last evaluated: 2023-08-30. Review status: criteria provided, single submitter. Criteria: ACMG Guidelines, 2015. Collection method: clinical testing. Allele origin: germline. Affected: yes.
Comment: ACMG classification criteria: PM2 moderate, PM3 strong, PP3 supporting

Juha Muilu Group; Institute for Molecular Medicine Finland (FIMM)
Classification: Likely pathogenic for Non-ketotic hyperglycinemia. Review status: no assertion criteria provided. Collection method: not provided. Allele origin: unknown. Not counted in ClinVar's aggregate classification.
Comment: FinDis database variant: This variant was not found or characterized by our laboratory, data were collected from public sources: see reference
ClinVar note: Converted during submission from probable-pathogenic to Likely pathogenic.

Literature cited by the submitters: PubMed 27362913 (cited by 3 submitters); PubMed 16601880 (cited by Ambry Genetics and Labcorp Genetics (formerly Invitae), Labcorp).

NM_000170.3(GLDC):c.2196T>A (p.Asn732Lys)

Gene: GLDC (glycine decarboxylase; minus strand). Cytogenetic location: 9p24.1.
Variant type: single nucleotide variant.
Coding change: c.2196T>A on transcript NM_000170.3 (MANE Select); coding-DNA position 2196, T replaced by A.
Protein change: p.Asn732Lys; replaces asparagine 732 with lysine.
Molecular consequence: missense variant.
Genome position (GRCh38, 1-based): chr9:6,556,159, A>T on the plus strand (T>A on the coding strand, the complement: GLDC is on the minus strand). VCF-style: chr9-6556159-A-T. GRCh37 (hg19) VCF-style: chr9-6556159-A-T.
Other names: short protein forms N732K.
Identifiers: ClinVar variation 56063 (VCV000056063.18), dbSNP rs386833544, ClinGen allele CA263342.